The following is an entry in ClinVar:

NM_005476.7(GNE):c.23G>A (p.Arg8Gln)

Gene: GNE (glucosamine (UDP-N-acetyl)-2-epimerase/N-acetylmannosamine kinase; minus strand). Cytogenetic location: 9p13.3.
Variant type: single nucleotide variant.
Coding change: c.23G>A on transcript NM_005476.7 (MANE Select); coding-DNA position 23, G replaced by A.
Protein change: p.Arg8Gln; replaces arginine 8 with glutamine.
Molecular consequence: missense variant. On other transcripts: intron variant (3).
Genome position (GRCh38, 1-based): chr9:36,249,333, C>T on the plus strand (G>A on the coding strand, the complement: GNE is on the minus strand). VCF-style: chr9-36249333-C-T. GRCh37 (hg19) VCF-style: chr9-36249330-C-T.
Other names: p.Arg39Gln; c.116G>A, p.Arg39Gln (NM_001128227.3); c.23G>A, p.Arg8Gln (NM_001190383.3, NM_001374797.1); c.-13-2851G>A (NM_001190388.2, NM_001190384.3, NM_001374798.1); c.116G>A (NM_001128227.2); short protein forms R39Q, R8Q.
Identifiers: ClinVar variation 286466 (VCV000286466.12), dbSNP rs763057654, ClinGen allele CA5056779.

ClinVar aggregate classification (germline): Uncertain significance. Review status: criteria provided, multiple submitters, no conflicts (2 of 4 stars). 5 submissions from 5 submitters: Uncertain significance (5). Last evaluated 2025-03-05.

Conditions:
GNE myopathy (NM). Also called: MYOPATHY, DISTAL, WITH OR WITHOUT RIMMED VACUOLES; Inclusion body myopathy autosomal recessive; Inclusion body myopathy quadriceps sparing; INCLUSION BODY MYOPATHY, HEREDITARY, AUTOSOMAL RECESSIVE; INCLUSION BODY MYOPATHY 2, AUTOSOMAL RECESSIVE; IBM 2. Identifiers: Orphanet 602, MedGen C1853926, MONDO:0011603, OMIM 605820.
Sialuria. Also called: Sialic Acid Storage Disease; SIALURIA, FRENCH TYPE. Identifiers: Orphanet 3166, MedGen C0342853, MONDO:0010028, OMIM 269921.

Allele frequency attached by ClinVar (database versions not stated): ExAC 0.00002; gnomAD 0.00003 and 0.00005; TOPMed 0.00003; gnomAD exomes 0.00004 and 0.00005.
gnomAD v4.1: 88 of 1,613,742 alleles (0.0055%); highest among the groups gnomAD compares: Non-Finnish European, 0.0065%; no homozygotes.

Submissions (5):

Mayo Clinic Laboratories, Mayo Clinic
Classification: Uncertain significance. Last evaluated: 2025-03-05. Review status: criteria provided, single submitter. Criteria: ACMG Guidelines, 2015. Collection method: clinical testing. Allele origin: germline. Observed: 1 variant allele.
Comment: PM2_supporting

Labcorp Genetics (formerly Invitae), Labcorp
Classification: Uncertain significance for Sialuria; GNE myopathy. Last evaluated: 2024-12-25. Review status: criteria provided, single submitter. Criteria: Invitae Variant Classification Sherloc (09022015). Collection method: clinical testing. Allele origin: germline.
Comment: This sequence change replaces arginine, which is basic and polar, with glutamine, which is neutral and polar, at codon 39 of the GNE protein (p.Arg39Gln). This variant is present in population databases (rs763057654, gnomAD 0.01%). This variant has not been reported in the literature in individuals affected with GNE-related conditions. ClinVar contains an entry for this variant (Variation ID: 286466). Invitae Evidence Modeling of protein sequence and biophysical properties (such as structural, functional, and spatial information, amino acid conservation, physicochemical variation, residue mobility, and thermodynamic stability) has been performed for this missense variant. However, the output from this modeling did not meet the statistical confidence thresholds required to predict the impact of this variant on GNE protein function. In summary, the available evidence is currently insufficient to determine the role of this variant in disease. Therefore, it has been classified as a Variant of Uncertain Significance.

Blueprint Genetics
Classification: Uncertain significance. Last evaluated: 2024-09-16. Review status: criteria provided, single submitter. Criteria: ACMG Guidelines, 2015. Collection method: clinical testing. Allele origin: germline.

Revvity Omics, Revvity
Classification: Uncertain significance. Last evaluated: 2021-01-13. Review status: criteria provided, single submitter. Criteria: ACMG Guidelines, 2015. Collection method: clinical testing. Allele origin: germline.

Eurofins Ntd Llc (ga)
Classification: Uncertain significance. Last evaluated: 2016-02-26. Review status: criteria provided, single submitter. Criteria: EGL Classification Definitions 2015. Collection method: clinical testing. Allele origin: germline. Observed: 1 variant allele, 1 heterozygote.